The following is an entry in ClinVar:

ClinVar aggregate classification (germline): Likely pathogenic (1 of 4 stars; one submission).

Conditions:
EP300-related disorder. Also called: EP300-related condition; EP300-related disorders.

Submission:

PreventionGenetics, part of Exact Sciences
Classification: Likely pathogenic for EP300-related condition. Last evaluated: 2025-10-09. Review status: criteria provided, single submitter. Criteria: ACMG Guidelines, 2015. Collection method: clinical testing. Allele origin: germline.
Comment: The EP300 c.6370dupG variant is predicted to result in a frameshift and premature protein termination (p.Val2124Glyfs*86). To our knowledge, this variant has not been reported in the literature or in a large population database (gnomAD), indicating this variant is rare. This variant is located in the last exon of EP300, and therefore the resulting transcript may not undergo nonsense-mediated decay. However, other truncating variants in this region have been reported in association with disease (see, for example, Cohen et al. 2020. PubMed ID: 33043588; Zimmermann et al. 2007. PubMed ID: 17299436). Frameshift variants in EP300 are expected to be pathogenic. This variant is interpreted as likely pathogenic.

NM_001429.4(EP300):c.6370dup (p.Val2124fs)

Gene: EP300 (EP300 lysine acetyltransferase; plus strand). Cytogenetic location: 22q13.2.
Variant type: Duplication.
Coding change: c.6370dup on transcript NM_001429.4 (MANE Select); coding-DNA position 6370, one base duplicated (G; older notation c.6370dupG).
Protein change: p.Val2124fs; shifts the reading frame from valine 2124.
Molecular consequence: frameshift variant.
Genome position (GRCh38, 1-based): chr22:41,178,081, G duplicated; the last of 5 consecutive G bases (chr22:41,178,077-41,178,081); duplicating any one gives the same sequence. VCF-style (leftmost placement, unchanged base first): chr22-41178076-A-AG. GRCh37 (hg19) VCF-style: chr22-41574080-A-AG.
Other names: c.6292dup, p.Val2098fs (NM_001362843.2); short protein forms V2098fs, V2124fs.
Identifiers: ClinVar variation 4992641 (VCV004992641.1).